The following is an entry in ClinVar:

NM_000466.3(PEX1):c.1652dup (p.Leu551fs)

Gene: PEX1 (peroxisomal biogenesis factor 1; minus strand). Cytogenetic location: 7q21.2.
Variant type: Duplication.
Coding change: c.1652dup on transcript NM_000466.3 (MANE Select); coding-DNA position 1652, one base duplicated (T; older notation c.1652dupT).
Protein change: p.Leu551fs; shifts the reading frame from leucine 551.
Molecular consequence: frameshift variant.
Genome position (GRCh38, 1-based): chr7:92,509,347, A duplicated on the plus strand (T on the coding strand, the reverse complement: PEX1 is on the minus strand); the first of 6 consecutive A bases (chr7:92,509,347-92,509,352); duplicating any one gives the same sequence. VCF-style (leftmost placement, unchanged base first): chr7-92509346-T-TA. GRCh37 (hg19) VCF-style: chr7-92138660-T-TA.
Other names: c.1652dup, p.Leu551fs (NM_001282677.2); c.1028dup, p.Leu343fs (NM_001282678.2); short protein forms L343fs, L551fs.
Identifiers: ClinVar variation 2029858 (VCV002029858.4), dbSNP rs2484681976, ClinGen allele CA2578938089.

ClinVar aggregate classification (germline): Pathogenic (1 of 4 stars; one submission).

Conditions:
Zellweger spectrum disorders (ZS). Also called: Zellweger Spectrum Disorder (ZSD); Zellweger Spectrum Disorder; Zellweger Spectrum; Zellweger syndrome. Identifiers: Orphanet 912, MedGen C0043459, MONDO:0019609.

Submission:

Labcorp Genetics (formerly Invitae), Labcorp
Classification: Pathogenic for Zellweger spectrum disorders. Last evaluated: 2022-09-10. Review status: criteria provided, single submitter. Criteria: Invitae Variant Classification Sherloc (09022015). Collection method: clinical testing. Allele origin: germline.
Comment: This variant has not been reported in the literature in individuals affected with PEX1-related conditions. For these reasons, this variant has been classified as Pathogenic. This variant is not present in population databases (gnomAD no frequency). This sequence change creates a premature translational stop signal (p.Leu551Phefs*41) in the PEX1 gene. It is expected to result in an absent or disrupted protein product. Loss-of-function variants in PEX1 are known to be pathogenic (PMID: 9398847, 16086329, 16141001, 21031596, 26387595, 31831025).

Literature cited by the submitters: PubMed 9398847; PubMed 16086329; PubMed 16141001; PubMed 21031596; PubMed 26387595; PubMed 31831025.